The following is an entry in ClinVar:

ClinVar aggregate classification (germline): Pathogenic (1 of 4 stars; one submission).

Submission:

Labcorp Genetics (formerly Invitae), Labcorp
Classification: Pathogenic. Last evaluated: 2019-10-31. Review status: criteria provided, single submitter. Criteria: Invitae Variant Classification Sherloc (09022015). Collection method: clinical testing. Allele origin: germline.
Comment: This sequence change affects the initiator methionine of the PHEX mRNA. The next in-frame methionine is located at codon 98. This variant is not present in population databases (ExAC no frequency). Disruption of the initiator codon has been observed in individuals affected with X-linked hypophosphatemia (PMID: 30682568, Invitae). In at least one individual the variant was observed to be de novo. For these reasons, this variant has been classified as Pathogenic.

Literature cited by the submitters: PubMed 30682568.

NM_000444.6(PHEX):c.3G>T (p.Met1Ile)

Gene: PHEX (phosphate regulating endopeptidase X-linked; plus strand). Cytogenetic location: Xp22.11.
Variant type: single nucleotide variant.
Coding change: c.3G>T on transcript NM_000444.6 (MANE Select); coding-DNA position 3, G replaced by T.
Protein change: p.Met1Ile; changes the start codon (methionine 1).
Molecular consequence: missense variant, initiator codon variant.
Genome position (GRCh38, 1-based): chrX:22,033,008, G>T. VCF-style: chrX-22033008-G-T. GRCh37 (hg19) VCF-style: chrX-22051126-G-T.
Other names: c.3G>T, p.Met1Ile (NM_001282754.2); short protein forms M1I.
Identifiers: ClinVar variation 942742 (VCV000942742.10), dbSNP rs1926865530, ClinGen allele CA412563655.